The following is an entry in ClinVar:

NM_016247.4(IMPG2):c.2923G>A (p.Val975Ile)

Gene: IMPG2 (interphotoreceptor matrix proteoglycan 2; minus strand). Cytogenetic location: 3q12.3.
Variant type: single nucleotide variant.
Coding change: c.2923G>A on transcript NM_016247.4 (MANE Select); coding-DNA position 2923, G replaced by A.
Protein change: p.Val975Ile; replaces valine 975 with isoleucine.
Molecular consequence: missense variant.
Genome position (GRCh38, 1-based): chr3:101,242,787, C>T on the plus strand (G>A on the coding strand, the complement: IMPG2 is on the minus strand). VCF-style: chr3-101242787-C-T. GRCh37 (hg19) VCF-style: chr3-100961631-C-T.
Other names: short protein forms V975I.
Identifiers: ClinVar variation 957141 (VCV000957141.8), dbSNP rs765892957, ClinGen allele CA2518878.

ClinVar aggregate classification (germline): Uncertain significance. Review status: criteria provided, multiple submitters, no conflicts (2 of 4 stars). 4 submissions from 4 submitters: Uncertain significance (4). Last evaluated 2026-03-13.

Conditions:
IMPG2-related disorder. Also called: IMPG2-related condition.
Inborn genetic diseases. Identifiers: MedGen C0950123, MeSH D030342.

Allele frequency attached by ClinVar (database versions not stated): gnomAD 0.00001; gnomAD exomes 0.00001 and 0.00004; ExAC 0.00003; TOPMed 0.00005.
gnomAD v4.1: 24 of 1,613,822 alleles (0.0015%); highest among the groups gnomAD compares: Admixed American, 0.015%; no homozygotes.

Submissions (4):

PreventionGenetics, part of Exact Sciences
Classification: Uncertain significance for IMPG2-related condition. Last evaluated: 2026-03-13. Review status: criteria provided, single submitter. Criteria: ACMG Guidelines, 2015. Collection method: clinical testing. Allele origin: germline.
Comment: The IMPG2 c.2923G>A variant is predicted to result in the amino acid substitution p.Val975Ile. To our knowledge, this variant has not been reported in the literature. This variant is reported in 0.020% of alleles in individuals of Latino descent in gnomAD. At this time, the clinical significance of this variant is uncertain due to the absence of conclusive functional and genetic evidence.

Ambry Genetics
Classification: Uncertain significance for Inborn genetic diseases. Last evaluated: 2025-10-28. Review status: criteria provided, single submitter. Criteria: Ambry Variant Classification Scheme 2023. Collection method: clinical testing. Allele origin: germline.

Labcorp Genetics (formerly Invitae), Labcorp
Classification: Uncertain significance. Last evaluated: 2022-10-04. Review status: criteria provided, single submitter. Criteria: Invitae Variant Classification Sherloc (09022015). Collection method: clinical testing. Allele origin: germline.
Comment: This sequence change replaces valine, which is neutral and non-polar, with isoleucine, which is neutral and non-polar, at codon 975 of the IMPG2 protein (p.Val975Ile). This variant is present in population databases (rs765892957, gnomAD 0.02%). This variant has not been reported in the literature in individuals affected with IMPG2-related conditions. ClinVar contains an entry for this variant (Variation ID: 957141). Algorithms developed to predict the effect of missense changes on protein structure and function output the following: SIFT: "Deleterious"; PolyPhen-2: "Benign"; Align-GVGD: "Class C25". The isoleucine amino acid residue is found in multiple mammalian species, which suggests that this missense change does not adversely affect protein function. In summary, the available evidence is currently insufficient to determine the role of this variant in disease. Therefore, it has been classified as a Variant of Uncertain Significance.

Blueprint Genetics
Classification: Uncertain significance. Last evaluated: 2019-08-01. Review status: criteria provided, single submitter. Criteria: ACMG Guidelines, 2015. Collection method: clinical testing. Allele origin: germline.